The following is an entry in ClinVar:

ClinVar aggregate classification (germline): Uncertain significance. Review status: criteria provided, multiple submitters, no conflicts (2 of 4 stars). 5 submissions from 5 submitters: Uncertain significance (5). Last evaluated 2025-12-30.

Conditions:
Cardiovascular phenotype. Identifiers: MedGen CN230736.
Hereditary cancer-predisposing syndrome. Also called: Hereditary neoplastic syndrome; Neoplastic Syndromes, Hereditary; Tumor predisposition; Hereditary Cancer Syndrome. Identifiers: Orphanet 140162, MedGen C0027672, MeSH D009386, MONDO:0015356.
Neurofibromatosis, type 1 (NF1). Also called: VON RECKLINGHAUSEN DISEASE; Peripheral type neurofibromatosis; NEUROFIBROMATOSIS, TYPE I, SOMATIC; Neurofibromatosis, type I. Identifiers: Orphanet 636, MedGen C0027831, MONDO:0018975, OMIM 162200. Disease mechanism: loss of function.

Allele frequency attached by ClinVar (database versions not stated): gnomAD exomes below 0.00001; TOPMed below 0.00001; gnomAD 0.00001.

Submissions (5):

GeneDx
Classification: Uncertain significance. Last evaluated: 2025-12-30. Review status: criteria provided, single submitter. Criteria: GeneDx Variant Classification Process June 2021. Collection method: clinical testing. Allele origin: germline. Affected: yes.
Comment: In silico analysis suggests that this missense variant does not alter protein structure/function; Has not been previously published as pathogenic or benign to our knowledge; This variant is associated with the following publications: (PMID: 25486365, 2121369)

Labcorp Genetics (formerly Invitae), Labcorp
Classification: Uncertain significance for Neurofibromatosis, type 1. Last evaluated: 2025-11-03. Review status: criteria provided, single submitter. Criteria: Invitae Variant Classification Sherloc (09022015). Collection method: clinical testing. Allele origin: germline.
Comment: This sequence change replaces methionine, which is neutral and non-polar, with valine, which is neutral and non-polar, at codon 991 of the NF1 protein (p.Met991Val). This variant is present in population databases (no rsID available, gnomAD 0.01%). This variant has not been reported in the literature in individuals affected with NF1-related conditions. ClinVar contains an entry for this variant (Variation ID: 481890). Invitae Evidence Modeling of protein sequence and biophysical properties (such as structural, functional, and spatial information, amino acid conservation, physicochemical variation, residue mobility, and thermodynamic stability) has been performed for this missense variant. However, the output from this modeling did not meet the statistical confidence thresholds required to predict the impact of this variant on NF1 protein function. In summary, the available evidence is currently insufficient to determine the role of this variant in disease. Therefore, it has been classified as a Variant of Uncertain Significance.

Ambry Genetics
Classification: Uncertain significance for Cardiovascular phenotype; Hereditary cancer-predisposing syndrome. Last evaluated: 2025-06-12. Review status: criteria provided, single submitter. Criteria: Ambry Variant Classification Scheme 2023. Collection method: clinical testing. Allele origin: germline.
Comment: The p.M991V variant (also known as c.2971A>G), located in coding exon 22 of the NF1 gene, results from an A to G substitution at nucleotide position 2971. The methionine at codon 991 is replaced by valine, an amino acid with highly similar properties. This amino acid position is highly conserved in available vertebrate species. In addition, the in silico prediction for this alteration is inconclusive. Based on the available evidence, the clinical significance of this variant remains unclear.

Genome-Nilou Lab
Classification: Uncertain significance for Neurofibromatosis, type 1. Last evaluated: 2022-03-15. Review status: criteria provided, single submitter. Criteria: ACMG Guidelines, 2015. Collection method: clinical testing. Allele origin: germline. Affected: no.

Sema4
Classification: Uncertain significance for Hereditary cancer-predisposing syndrome. Last evaluated: 2022-02-18. Review status: criteria provided, single submitter. Criteria: Sema4 Curation Guidelines. Collection method: curation. Allele origin: germline.
Comment: The NF1 c.2971A>G (p.M991V) variant has not been reported in the literature to our knowledge. This variant was observed in 1/8708 chromosomes in the African/African American population, according to the Genome Aggregation Database (PMID: 32461654). The variant has been reported in ClinVar (Variation ID: 481890). Functional studies have not been performed, and in silico predictions of the variant's effect on protein function are inconclusive. The evidence is insufficient to meet ACMG/AMP criteria for classifying the variant as benign or pathogenic. Thus, the clinical significance of this variant is currently uncertain.

NM_001042492.3(NF1):c.2971A>G (p.Met991Val)

Gene: NF1 (neurofibromin 1; plus strand). Cytogenetic location: 17q11.2.
Variant type: single nucleotide variant.
Coding change: c.2971A>G on transcript NM_001042492.3 (MANE Select); coding-DNA position 2971, A replaced by G.
Protein change: p.Met991Val; replaces methionine 991 with valine.
Molecular consequence: missense variant.
Genome position (GRCh38, 1-based): chr17:31,229,955, A>G. VCF-style: chr17-31229955-A-G. GRCh37 (hg19) VCF-style: chr17-29556973-A-G.
Other names: c.2971A>G, p.Met991Val (NM_000267.4); short protein forms M991V.
Identifiers: ClinVar variation 481890 (VCV000481890.16), dbSNP rs1268543864, ClinGen allele CA398986384.